The following is an entry in ClinVar:

ClinVar aggregate classification (germline): Uncertain significance. Review status: criteria provided, multiple submitters, no conflicts (2 of 4 stars). 2 submissions from 2 submitters: Uncertain significance (2). Last evaluated 2025-11-06.

Conditions:
Inborn genetic diseases. Identifiers: MedGen C0950123, MeSH D030342.
GSN-related disorder. Also called: GSN-related condition.

gnomAD v4.1: 13 of 1,614,106 alleles (0.00081%); highest among the groups gnomAD compares: Non-Finnish European, 0.001%; no homozygotes.

Submissions (2):

PreventionGenetics, part of Exact Sciences
Classification: Uncertain significance for GSN-related condition. Last evaluated: 2025-11-06. Review status: criteria provided, single submitter. Criteria: ACMG Guidelines, 2015. Collection method: clinical testing. Allele origin: germline.
Comment: The GSN c.701G>C variant is predicted to result in the amino acid substitution p.Arg234Pro. To our knowledge, this variant has not been reported in the literature. This variant is reported in 0.00088% of alleles in individuals of European (non-Finnish) descent in gnomAD. At this time, the clinical significance of this variant is uncertain due to the absence of conclusive functional and genetic evidence.

Ambry Genetics
Classification: Uncertain significance for Inborn genetic diseases. Last evaluated: 2022-05-13. Review status: criteria provided, single submitter. Criteria: Ambry Variant Classification Scheme 2023. Collection method: clinical testing. Allele origin: germline.
Comment: The p.R234P variant (also known as c.701G>C), located in coding exon 5 of the GSN gene, results from a G to C substitution at nucleotide position 701. The arginine at codon 234 is replaced by proline, an amino acid with dissimilar properties. This amino acid position is conserved. In addition, the in silico prediction for this alteration is inconclusive. Since supporting evidence is limited at this time, the clinical significance of this alteration remains unclear.

NM_198252.3(GSN):c.548G>C (p.Arg183Pro)

Gene: GSN (gelsolin; plus strand). Cytogenetic location: 9q33.2.
Variant type: single nucleotide variant.
Coding change: c.548G>C on transcript NM_198252.3 (MANE Select); coding-DNA position 548, G replaced by C.
Protein change: p.Arg183Pro; replaces arginine 183 with proline.
Molecular consequence: missense variant. On other transcripts: 5 prime UTR variant (1).
Genome position (GRCh38, 1-based): chr9:121,312,373, G>C. VCF-style: chr9-121312373-G-C. GRCh37 (hg19) VCF-style: chr9-124074651-G-C.
Other names: c.701G>C, p.Arg234Pro (NM_000177.5); c.548G>C, p.Arg183Pro (NM_001127662.2, NM_001127664.2, NM_001127665.2 and 10 more transcripts); c.656G>C, p.Arg219Pro (NM_001127663.2); c.581G>C, p.Arg194Pro (NM_001127666.2, NM_001127667.2, NM_001353064.2 and 13 more transcripts); c.599G>C, p.Arg200Pro (NM_001258029.2); c.572G>C, p.Arg191Pro (NM_001258030.2); c.620G>C, p.Arg207Pro (NM_001353076.2); c.-107G>C (NM_001353078.2); short protein forms R191P, R194P, R207P, R200P, R219P, R183P, R234P.
Identifiers: ClinVar variation 1756717 (VCV001756717.3), dbSNP rs375589943, ClinGen allele CA374740551.